The following is an entry in ClinVar:

ClinVar aggregate classification (germline): Uncertain significance (1 of 4 stars; one submission).

Conditions:
Autoimmune lymphoproliferative syndrome type 1. Also called: AUTOIMMUNE LYMPHOPROLIFERATIVE SYNDROME, TYPE I, AUTOSOMAL DOMINANT. Identifiers: Orphanet 3261, MedGen C2717884, MONDO:0011158, OMIM 601859.

Allele frequency attached by ClinVar (database versions not stated): gnomAD exomes below 0.00001.
gnomAD v4.1: 4 of 1,613,968 alleles (0.00025%); highest among the groups gnomAD compares: Non-Finnish European, 0.00034%; no homozygotes.

Submission:

Labcorp Genetics (formerly Invitae), Labcorp
Classification: Uncertain significance for Autoimmune lymphoproliferative syndrome. Last evaluated: 2026-01-11. Review status: criteria provided, single submitter. Criteria: Invitae Variant Classification Sherloc (09022015). Collection method: clinical testing. Allele origin: germline.
Comment: This sequence change replaces valine, which is neutral and non-polar, with isoleucine, which is neutral and non-polar, at codon 275 of the FAS protein (p.Val275Ile). This variant is not present in population databases (gnomAD no frequency). This variant has not been reported in the literature in individuals affected with FAS-related conditions. ClinVar contains an entry for this variant (Variation ID: 1932605). An algorithm developed to predict the effect of missense changes on protein structure and function outputs the following: PolyPhen-2: "Benign". The isoleucine amino acid residue is found in multiple mammalian species, which suggests that this missense change does not adversely affect protein function. In summary, the available evidence is currently insufficient to determine the role of this variant in disease. Therefore, it has been classified as a Variant of Uncertain Significance.

NM_000043.6(FAS):c.823G>A (p.Val275Ile)

Gene: FAS (Fas cell surface death receptor; plus strand). Cytogenetic location: 10q23.31.
Variant type: single nucleotide variant.
Coding change: c.823G>A on transcript NM_000043.6 (MANE Select); coding-DNA position 823, G replaced by A.
Protein change: p.Val275Ile; replaces valine 275 with isoleucine.
Molecular consequence: missense variant. On other transcripts: 3 prime UTR variant (2), non-coding transcript variant (7).
Genome position (GRCh38, 1-based): chr10:89,014,265, G>A. VCF-style: chr10-89014265-G-A. GRCh37 (hg19) VCF-style: chr10-90774022-G-A.
Other names: c.*146G>A (NM_001320619.2); c.868G>A, p.Val290Ile (NM_001410956.1); c.760G>A, p.Val254Ile (NM_152871.4); c.*135G>A (NM_152872.4); short protein forms V290I, V254I, V275I.
Identifiers: ClinVar variation 1932605 (VCV001932605.5), dbSNP rs2495226748, ClinGen allele CA377509893.